The following is an entry in ClinVar:

NM_001330260.2(SCN8A):c.2951A>G (p.Asn984Ser)

Gene: SCN8A (sodium voltage-gated channel alpha subunit 8; plus strand). Cytogenetic location: 12q13.13.
Variant type: single nucleotide variant.
Coding change: c.2951A>G on transcript NM_001330260.2 (MANE Select); coding-DNA position 2951, A replaced by G.
Protein change: p.Asn984Ser; replaces asparagine 984 with serine.
Molecular consequence: missense variant.
Genome position (GRCh38, 1-based): chr12:51,768,914, A>G. VCF-style: chr12-51768914-A-G. GRCh37 (hg19) VCF-style: chr12-52162698-A-G.
Other names: c.2951A>G, p.Asn984Ser (NM_001177984.3, NM_001369788.1, NM_014191.4); short protein forms N984S.
Identifiers: ClinVar variation 1315980 (VCV001315980.6), dbSNP rs373040746, ClinGen allele CA6571532.

ClinVar aggregate classification (germline): Uncertain significance. Review status: criteria provided, multiple submitters, no conflicts (2 of 4 stars). 2 submissions from 2 submitters: Uncertain significance (2). Last evaluated 2024-11-05.

Conditions:
Early-infantile DEE. Also called: Ohtahara syndrome; Early infantile epileptic encephalopathy; Early infantile epileptic encephalopathy with suppression bursts. Identifiers: Orphanet 1934, MedGen C0393706, MONDO:0800491.

Allele frequency attached by ClinVar (database versions not stated): gnomAD exomes below 0.00001; TOPMed below 0.00001; ExAC 0.00001; gnomAD 0.00002 and 0.00003; ESP Exome Variant Server 0.00008.
gnomAD v4.1: 5 of 1,599,576 alleles (0.00031%); highest among the groups gnomAD compares: African/African-American, 0.0027%; no homozygotes.

Submissions (2):

Labcorp Genetics (formerly Invitae), Labcorp
Classification: Uncertain significance for Early-infantile DEE. Last evaluated: 2024-11-05. Review status: criteria provided, single submitter. Criteria: Invitae Variant Classification Sherloc (09022015). Collection method: clinical testing. Allele origin: germline.
Comment: This sequence change replaces asparagine, which is neutral and polar, with serine, which is neutral and polar, at codon 984 of the SCN8A protein (p.Asn984Ser). This variant is present in population databases (rs373040746, gnomAD 0.007%). This variant has not been reported in the literature in individuals affected with SCN8A-related conditions. ClinVar contains an entry for this variant (Variation ID: 1315980). Invitae Evidence Modeling of protein sequence and biophysical properties (such as structural, functional, and spatial information, amino acid conservation, physicochemical variation, residue mobility, and thermodynamic stability) indicates that this missense variant is not expected to disrupt SCN8A protein function with a negative predictive value of 95%. This variant disrupts the p.Asn984 amino acid residue in SCN8A. Other variant(s) that disrupt this residue have been determined to be pathogenic (PMID: 25725044). This suggests that this residue is clinically significant, and that variants that disrupt this residue are likely to be disease-causing. In summary, the available evidence is currently insufficient to determine the role of this variant in disease. Therefore, it has been classified as a Variant of Uncertain Significance.

GeneDx
Classification: Uncertain significance. Last evaluated: 2019-11-21. Review status: criteria provided, single submitter. Criteria: GeneDx Variant Classification Process June 2021. Collection method: clinical testing. Allele origin: germline. Affected: yes.
Comment: The majority of missense variants in this gene are considered pathogenic (Stenson et al., 2014); In silico analysis, which includes protein predictors and evolutionary conservation, supports a deleterious effect; This substitution is predicted to be in the cytoplasmic loop between the second and third homologous domains; Has not been previously published as pathogenic or benign to our knowledge

Literature cited by the submitters: PubMed 25725044 (cited by Labcorp Genetics (formerly Invitae), Labcorp).